The following is an entry in ClinVar:

ClinVar aggregate classification (germline): Benign. Review status: criteria provided, single submitter (1 of 4 stars). 2 submissions from 2 submitters: Benign (1). 1 of the submissions does not count toward it. Last evaluated 2026-01-31.

Conditions:
HIVEP2-related disorder. Also called: HIVEP2-related condition.

Allele frequency attached by ClinVar (database versions not stated): gnomAD exomes 0.00108 and 0.00291; ExAC 0.00352; ESP Exome Variant Server 0.01040; gnomAD 0.01135 and 0.01211; TOPMed 0.01277; 1000 Genomes Project 0.01518; 1000 Genomes Project 30x 0.01608.
gnomAD v4.1: 3,384 of 1,614,200 alleles (0.21%); highest among the groups gnomAD compares: African/African-American, 4%; 81 homozygotes.

Submissions (2):

Labcorp Genetics (formerly Invitae), Labcorp
Classification: Benign. Last evaluated: 2026-01-31. Review status: criteria provided, single submitter. Criteria: Invitae Variant Classification Sherloc (09022015). Collection method: clinical testing. Allele origin: germline.

PreventionGenetics, part of Exact Sciences
Classification: Benign for HIVEP2-related condition. Last evaluated: 2019-06-14. Review status: no assertion criteria provided. Collection method: clinical testing. Allele origin: germline. Not counted in ClinVar's aggregate classification.
Comment: This variant is classified as benign based on ACMG/AMP sequence variant interpretation guidelines (Richards et al. 2015 PMID: 25741868, with internal and published modifications).

NM_006734.4(HIVEP2):c.3954T>C (p.Phe1318=)

Gene: HIVEP2 (HIVEP zinc finger 2; minus strand). Cytogenetic location: 6q24.2.
Variant type: single nucleotide variant.
Coding change: c.3954T>C on transcript NM_006734.4 (MANE Select); coding-DNA position 3954, T replaced by C.
Protein change: p.Phe1318=; no amino-acid change (phenylalanine 1318 retained).
Molecular consequence: synonymous variant.
Genome position (GRCh38, 1-based): chr6:142,770,785, A>G on the plus strand (T>C on the coding strand, the complement: HIVEP2 is on the minus strand). VCF-style: chr6-142770785-A-G. GRCh37 (hg19) VCF-style: chr6-143091922-A-G.
Identifiers: ClinVar variation 778264 (VCV000778264.12), dbSNP rs35267339, ClinGen allele CA4028155.